The following is an entry in ClinVar:

NM_005908.4(MANBA):c.37G>A (p.Gly13Ser)

Genes: MANBA (mannosidase beta; minus strand), LOC129992886 (ATAC-STARR-seq lymphoblastoid active region 21757; plus strand). Cytogenetic location: 4q24.
Variant type: single nucleotide variant.
Coding change: c.37G>A on transcript NM_005908.4 (MANE Select); coding-DNA position 37, G replaced by A.
Protein change: p.Gly13Ser; replaces glycine 13 with serine.
Molecular consequence: missense variant.
Genome position (GRCh38, 1-based): chr4:102,760,858, C>T on the plus strand (G>A on the coding strand, the complement: MANBA is on the minus strand). VCF-style: chr4-102760858-C-T. GRCh37 (hg19) VCF-style: chr4-103682015-C-T.
Other names: short protein forms G13S.
Identifiers: ClinVar variation 1997022 (VCV001997022.4), dbSNP rs1262371253, ClinGen allele CA357961658.

ClinVar aggregate classification (germline): Uncertain significance (1 of 4 stars; one submission).

Conditions:
Beta-D-mannosidosis (MANSB). Also called: MANNOSIDOSIS, BETA A, LYSOSOMAL; BETA-MANNOSIDASE DEFICIENCY; LYSOSOMAL BETA-MANNOSIDASE DEFICIENCY; Beta-Mannosidosis. Identifiers: Orphanet 118, MedGen C4048196, MONDO:0009562, OMIM 248510.

Submission:

Labcorp Genetics (formerly Invitae), Labcorp
Classification: Uncertain significance for Beta-D-mannosidosis. Last evaluated: 2022-06-09. Review status: criteria provided, single submitter. Criteria: Invitae Variant Classification Sherloc (09022015). Collection method: clinical testing. Allele origin: germline.
Comment: In summary, the available evidence is currently insufficient to determine the role of this variant in disease. Therefore, it has been classified as a Variant of Uncertain Significance. Algorithms developed to predict the effect of missense changes on protein structure and function are either unavailable or do not agree on the potential impact of this missense change (SIFT: "Tolerated"; PolyPhen-2: "Not Available"; Align-GVGD: "Class C0"). This variant has not been reported in the literature in individuals affected with MANBA-related conditions. This variant is not present in population databases (gnomAD no frequency). This sequence change replaces glycine, which is neutral and non-polar, with serine, which is neutral and polar, at codon 13 of the MANBA protein (p.Gly13Ser).